The following is an entry in ClinVar:

ClinVar aggregate classification (germline): Likely benign (1 of 4 stars; one submission).

gnomAD v4.1: 5,504 of 1,614,074 alleles (0.34%); highest among the groups gnomAD compares: Non-Finnish European, 0.41%; 21 homozygotes.

Submission:

CeGaT Center for Human Genetics Tuebingen
Classification: Likely benign. Last evaluated: 2026-06-01. Review status: criteria provided, single submitter. Criteria: CeGaT Center For Human Genetics Tuebingen Variant Classification Criteria Version 2. Collection method: clinical testing. Allele origin: germline. Affected: yes. Observed: 5 variant alleles.
Comment: TTI1: BP4, BS2

NM_001303457.2(TTI1):c.484G>A (p.Ala162Thr)

Gene: TTI1 (TELO2 interacting protein 1; minus strand). Cytogenetic location: 20q11.23.
Variant type: single nucleotide variant.
Coding change: c.484G>A on transcript NM_001303457.2 (MANE Select); coding-DNA position 484, G replaced by A.
Protein change: p.Ala162Thr; replaces alanine 162 with threonine.
Molecular consequence: missense variant.
Genome position (GRCh38, 1-based): chr20:38,013,333, C>T on the plus strand (G>A on the coding strand, the complement: TTI1 is on the minus strand). VCF-style: chr20-38013333-C-T. GRCh37 (hg19) VCF-style: chr20-36641735-C-T.
Other names: c.484G>A, p.Ala162Thr (NM_014657.3); short protein forms A162T.
Identifiers: ClinVar variation 3904801 (VCV003904801.10).